The following is an entry in ClinVar:

ClinVar aggregate classification (germline): Likely benign. Review status: criteria provided, single submitter (1 of 4 stars). 2 submissions from 2 submitters: Likely benign (1). 1 of the submissions does not count toward it. Last evaluated 2024-09-24.

Conditions:
DLX5-related disorder. Also called: DLX5-related condition.

Allele frequency attached by ClinVar (database versions not stated): TOPMed 0.00005; 1000 Genomes Project 30x 0.00109; 1000 Genomes Project 0.00120.
gnomAD v4.1: 428 of 1,614,080 alleles (0.027%); highest among the groups gnomAD compares: South Asian, 0.43%; 3 homozygotes.

Submissions (2):

Blueprint Genetics
Classification: Likely benign. Last evaluated: 2024-09-24. Review status: criteria provided, single submitter. Criteria: ACMG Guidelines, 2015. Collection method: clinical testing. Allele origin: germline.

PreventionGenetics, part of Exact Sciences
Classification: Likely benign for DLX5-related condition. Last evaluated: 2019-05-20. Review status: no assertion criteria provided. Collection method: clinical testing. Allele origin: germline. Not counted in ClinVar's aggregate classification.
Comment: This variant is classified as likely benign based on ACMG/AMP sequence variant interpretation guidelines (Richards et al. 2015 PMID: 25741868, with internal and published modifications).

NM_005221.6(DLX5):c.696G>C (p.Ser232=)

Gene: DLX5 (distal-less homeobox 5; minus strand). Cytogenetic location: 7q21.3.
Variant type: single nucleotide variant.
Coding change: c.696G>C on transcript NM_005221.6 (MANE Select); coding-DNA position 696, G replaced by C.
Protein change: p.Ser232=; no amino-acid change (serine 232 retained).
Molecular consequence: synonymous variant.
Genome position (GRCh38, 1-based): chr7:97,020,910, C>G on the plus strand (G>C on the coding strand, the complement: DLX5 is on the minus strand). VCF-style: chr7-97020910-C-G. GRCh37 (hg19) VCF-style: chr7-96650222-C-G.
Identifiers: ClinVar variation 3039274 (VCV003039274.3), dbSNP rs371372992, ClinGen allele CA4353944.